The following is an entry in ClinVar:

NM_000133.4(F9):c.128G>A (p.Arg43Gln)

Gene: F9 (coagulation factor IX; plus strand). Cytogenetic location: Xq27.1.
Variant type: single nucleotide variant.
Coding change: c.128G>A on transcript NM_000133.4 (MANE Select); coding-DNA position 128, G replaced by A.
Protein change: p.Arg43Gln; replaces arginine 43 with glutamine.
Molecular consequence: missense variant.
Genome position (GRCh38, 1-based): chrX:139,537,049, G>A. VCF-style: chrX-139537049-G-A. GRCh37 (hg19) VCF-style: chrX-138619208-G-A.
Other names: F9, ARG-4GLN; factor IX San Dimas; factor IX Kawachinagano; c.128G>A (NM_000133.3); c.128G>A, p.Arg43Gln (NM_001313913.2); short protein forms R43Q.
Identifiers: ClinVar variation 810864 (VCV000810864.19), dbSNP rs1275708479, ClinGen allele CA414435539.
Genomic context (GRCh38, chrX:139,537,049, plus strand): 5'-AATTATTCTTTTACATTTCAGTTTTTCTTGATCATGAAAACGCCAACAAAATTCTGAATC[G>A]GCCAAAGAGGTATAATTCAGGTAAATTGGAAGAGTTTGTTCAAGGGAACCTTGAGAGAGA-3'
Protein context (NP_000124.1, residues 33-53): DHENANKILN[Arg43Gln]PKRYNSGKLE

ClinVar aggregate classification (germline): Pathogenic/Likely pathogenic. Review status: criteria provided, multiple submitters, no conflicts (2 of 4 stars). 7 submissions from 7 submitters: Pathogenic (5); Likely pathogenic (1). 1 of the submissions does not count toward it. Last evaluated 2026-01-22.

Conditions:
Hereditary factor IX deficiency disease (HEMB). Also called: F9 DEFICIENCY; FACTOR IX DEFICIENCY; PLASMA THROMBOPLASTIN COMPONENT DEFICIENCY; Christmas Disease; Hemophilia B. Identifiers: Orphanet 98879, MedGen C0008533, MeSH D002836, MONDO:0010604, OMIM 306900.
F9-related disorder. Also called: F9-related condition.
Thrombophilia, X-linked, due to factor 9 defect. Identifiers: MedGen C2749016, MONDO:0010432, OMIM 300807.

Submissions (7):

PreventionGenetics, part of Exact Sciences
Classification: Pathogenic for F9-related condition. Last evaluated: 2026-01-22. Review status: criteria provided, single submitter. Criteria: ACMG Guidelines, 2015. Collection method: clinical testing. Allele origin: germline.
Comment: The F9 c.128G>A variant is predicted to result in the amino acid substitution p.Arg43Gln. This variant has been reported in many individuals with hemophilia B, and functional studies support its pathogenicity (Green et al. 1992. PubMed ID: 1615486; Chavali et al. 2009. PubMed ID: 19699296; Gao et al. 2020. PubMed ID: 32766856). Multiple other missense changes at the p.Arg43 amino acid position have also been reported as causative (Human Gene Mutation Database). This variant has not been reported in a large population database (gnomAD), indicating this variant is rare. This variant is interpreted as pathogenic.

North West Genomic Laboratory Hub, Manchester University NHS Foundation Trust
Classification: Likely pathogenic for Factor IX deficiency. Last evaluated: 2025-03-19. Review status: criteria provided, single submitter. Criteria: ACGS Best Practice Guidelines for Variant Classification in Rare Disease 2024. Collection method: clinical testing. Allele origin: germline. Affected: yes.
Comment: PS4_Mod PP4_Mod PP3_Supp PM2_Mod

Labcorp Genetics (formerly Invitae), Labcorp
Classification: Pathogenic for Thrombophilia, X-linked, due to factor 9 defect; Hereditary factor IX deficiency disease. Last evaluated: 2024-11-13. Review status: criteria provided, single submitter. Criteria: Invitae Variant Classification Sherloc (09022015). Collection method: clinical testing. Allele origin: germline.
Comment: This sequence change replaces arginine, which is basic and polar, with glutamine, which is neutral and polar, at codon 43 of the F9 protein (p.Arg43Gln). This variant is not present in population databases (gnomAD no frequency). This missense change has been observed in individuals with hemophilia B (PMID: 1615486, 1680373, 19699296). This variant is also known as p.Arg-4Gln. ClinVar contains an entry for this variant (Variation ID: 810864). Invitae Evidence Modeling of protein sequence and biophysical properties (such as structural, functional, and spatial information, amino acid conservation, physicochemical variation, residue mobility, and thermodynamic stability) indicates that this missense variant is expected to disrupt F9 protein function with a positive predictive value of 95%. This variant disrupts the p.Arg43 amino acid residue in F9. Other variant(s) that disrupt this residue have been determined to be pathogenic (PMID: 1615486, 19699296, 22639855). This suggests that this residue is clinically significant, and that variants that disrupt this residue are likely to be disease-causing. For these reasons, this variant has been classified as Pathogenic.

3billion
Classification: Pathogenic for Hereditary factor IX deficiency disease. Last evaluated: 2022-09-01. Review status: criteria provided, single submitter. Criteria: ACMG Guidelines, 2015. Collection method: clinical testing. Allele origin: germline. Affected: yes. Observed: 1 hemizygote.
Comment: The variant is not observed in the gnomAD v2.1.1 dataset. Missense changes are a common disease-causing mechanism. In silico tool predictions suggest damaging effect of the variant on gene or gene product (REVEL: 0.71; 3Cnet: 0.66). Same nucleotide change resulting in same amino acid change (ClinVar ID: VCV000810864 ) and different missense changes at the same codon (p.Arg43Leu, p.Arg43Trp; ClinVar ID: VCV000811505 , VCV000993549 ) have been previously reported as pathogenic/likely pathogenic with strong evidence. Therefore, this variant is classified as Pathogenic according to the recommendation of ACMG/AMP guideline.

GeneDx
Classification: Pathogenic. Last evaluated: 2022-05-25. Review status: criteria provided, single submitter. Criteria: GeneDx Variant Classification Process June 2021. Collection method: clinical testing. Allele origin: germline. Affected: yes.
Comment: Not observed at significant frequency in large population cohorts (gnomAD); In silico analysis supports that this missense variant has a deleterious effect on protein structure/function; Also known as p.R-4Q, factor IX Kawachinagano (KWC), and factor IX San Dimas; This variant is associated with the following publications: (PMID: 1615486, 1680373, 31577376, 22639855, 32875744, 2757966, 2738071, 3009023, 19699296, 1796396)

ARUP Laboratories, Molecular Genetics and Genomics, ARUP Laboratories
Classification: Pathogenic. Last evaluated: 2018-12-31. Review status: criteria provided, single submitter. Criteria: ARUP Molecular Germline Variant Investigation Process. Collection method: clinical testing. Allele origin: germline.
Comment: The F9 c.128G>A; p.Arg43Gln variant, also reported as Arg-4Gln, has been reported in several individuals affected with severe hemophilia B (see link to F9 database and references therein). It is absent from general population databases (1000 Genomes Project, Exome Variant Server, and Genome Aggregation Database), indicating it is not a common polymorphism. The arginine at codon 43 is highly conserved, and computational algorithms (PolyPhen-2, SIFT) predict that this variant is deleterious. Additionally, other variants at this codon (c.127C>T; p.Arg43Trp and c.128G>T; p.Arg43Leu) have been described in multiple individuals affected with severe hemophilia B and are considered pathogenic (see link to F9 database and references therein). Based on available information, the p.Arg43Gln variant is considered pathogenic. REFERENCES Link to F9 database

OMIM
Classification: Pathogenic for HEMOPHILIA B. Last evaluated: 1989-07-05. Review status: no assertion criteria provided. Collection method: literature only. Allele origin: germline. Not counted in ClinVar's aggregate classification.

Literature cited by the submitters: PubMed 1615486 (cited by Labcorp Genetics (formerly Invitae), Labcorp); PubMed 1680373 (cited by Labcorp Genetics (formerly Invitae), Labcorp); PubMed 19699296 (cited by Labcorp Genetics (formerly Invitae), Labcorp); PubMed 22639855 (cited by Labcorp Genetics (formerly Invitae), Labcorp); PubMed 3009023 (cited by OMIM); PubMed 2757966 (cited by OMIM); PubMed 2738071 (cited by OMIM).